The following is an entry in ClinVar:

NM_004064.5(CDKN1B):c.379G>T (p.Asp127Tyr)

Gene: CDKN1B (cyclin dependent kinase inhibitor 1B; plus strand). Cytogenetic location: 12p13.1.
Variant type: single nucleotide variant.
Coding change: c.379G>T on transcript NM_004064.5 (MANE Select); coding-DNA position 379, G replaced by T.
Protein change: p.Asp127Tyr; replaces aspartic acid 127 with tyrosine.
Molecular consequence: missense variant.
Genome position (GRCh38, 1-based): chr12:12,718,218, G>T. VCF-style: chr12-12718218-G-T. GRCh37 (hg19) VCF-style: chr12-12871152-G-T.
Other names: short protein forms D127Y.
Identifiers: ClinVar variation 1735026 (VCV001735026.4), dbSNP rs1946497144, ClinGen allele CA383970523.

ClinVar aggregate classification (germline): Uncertain significance. Review status: criteria provided, multiple submitters, no conflicts (2 of 4 stars). 2 submissions from 2 submitters: Uncertain significance (2). Last evaluated 2024-12-04.

Conditions:
Multiple endocrine neoplasia type 4. Also called: MULTIPLE ENDOCRINE NEOPLASIA, TYPE IV. Identifiers: Orphanet 276152, MedGen C1970712, MONDO:0012552, OMIM 610755.
Hereditary cancer-predisposing syndrome. Also called: Neoplastic Syndromes, Hereditary; Tumor predisposition; Hereditary Cancer Syndrome; Hereditary neoplastic syndrome. Identifiers: Orphanet 140162, MedGen C0027672, MeSH D009386, MONDO:0015356.

Allele frequency attached by ClinVar (database versions not stated): gnomAD exomes below 0.00001; TOPMed below 0.00001; gnomAD 0.00001.

Submissions (2):

Labcorp Genetics (formerly Invitae), Labcorp
Classification: Uncertain significance for Multiple endocrine neoplasia type 4. Last evaluated: 2024-12-04. Review status: criteria provided, single submitter. Criteria: Invitae Variant Classification Sherloc (09022015). Collection method: clinical testing. Allele origin: germline.
Comment: This sequence change replaces aspartic acid, which is acidic and polar, with tyrosine, which is neutral and polar, at codon 127 of the CDKN1B protein (p.Asp127Tyr). This variant is not present in population databases (gnomAD no frequency). This variant has not been reported in the literature in individuals affected with CDKN1B-related conditions. ClinVar contains an entry for this variant (Variation ID: 1735026). An algorithm developed to predict the effect of missense changes on protein structure and function (PolyPhen-2) suggests that this variant is likely to be disruptive. In summary, the available evidence is currently insufficient to determine the role of this variant in disease. Therefore, it has been classified as a Variant of Uncertain Significance.

Ambry Genetics
Classification: Uncertain significance for Hereditary cancer-predisposing syndrome. Last evaluated: 2022-09-21. Review status: criteria provided, single submitter. Criteria: Ambry Variant Classification Scheme 2023. Collection method: clinical testing. Allele origin: germline.
Comment: The p.D127Y variant (also known as c.379G>T), located in coding exon 1 of the CDKN1B gene, results from a G to T substitution at nucleotide position 379. The aspartic acid at codon 127 is replaced by tyrosine, an amino acid with highly dissimilar properties. This amino acid position is conserved. In addition, the in silico prediction for this alteration is inconclusive. Since supporting evidence is limited at this time, the clinical significance of this alteration remains unclear.